The following is an entry in ClinVar:

ClinVar aggregate classification (germline): Likely benign (1 of 4 stars; one submission).

Submission:

CeGaT Center for Human Genetics Tuebingen
Classification: Likely benign. Last evaluated: 2025-11-01. Review status: criteria provided, single submitter. Criteria: CeGaT Center For Human Genetics Tuebingen Variant Classification Criteria Version 2. Collection method: clinical testing. Allele origin: germline. Affected: yes. Observed: 1 variant allele.
Comment: PRR12: BS1

NM_020719.3(PRR12):c.4493_4501del (p.Pro1498_Pro1500del)

Gene: PRR12 (proline rich 12; plus strand). Cytogenetic location: 19q13.33.
Variant type: Deletion.
Coding change: c.4493_4501del on transcript NM_020719.3 (MANE Select); coding-DNA positions 4493 to 4501, 9 bases deleted (CACCGCCGC; older notation c.4493_4501delCACCGCCGC).
Protein change: p.Pro1498_Pro1500del.
Molecular consequence: inframe deletion.
Genome position (GRCh38, 1-based): chr19:49,601,638-49,601,646, CACCGCCGC deleted; deleting any 9 consecutive bases within chr19:49,601,634-49,601,646 gives the same sequence; the c. name uses the placement nearest the transcript's 3' end. VCF-style (leftmost placement, unchanged base first): chr19-49601633-ACCGCCACCG-A. GRCh37 (hg19) VCF-style: chr19-50104890-ACCGCCACCG-A.
Identifiers: ClinVar variation 4534333 (VCV004534333.6).